The following is an entry in ClinVar:

ClinVar aggregate classification (germline): Likely pathogenic (0 of 4 stars; one submission).

Conditions:
ALMS1-related disorder. Also called: ALMS1-related condition.

Submission:

PreventionGenetics, part of Exact Sciences
Classification: Likely pathogenic for ALMS1-related condition. Last evaluated: 2024-05-03. Review status: no assertion criteria provided. Collection method: clinical testing. Allele origin: germline.
Comment: The ALMS1 c.58G>T variant is predicted to result in premature protein termination (p.Glu20*). To our knowledge, this variant has not been reported in the literature or in a large population database, indicating this variant is rare. Nonsense variants in ALMS1 are expected to be pathogenic. This variant is interpreted as likely pathogenic.

NM_001378454.1(ALMS1):c.55G>T (p.Glu19Ter)

Gene: ALMS1 (ALMS1 centrosome and basal body associated protein; plus strand). Cytogenetic location: 2p13.1.
Variant type: single nucleotide variant.
Coding change: c.55G>T on transcript NM_001378454.1 (MANE Select); coding-DNA position 55, G replaced by T.
Protein change: p.Glu19Ter; replaces glutamic acid 19 with a stop codon.
Molecular consequence: nonsense.
Genome position (GRCh38, 1-based): chr2:73,385,923, G>T. VCF-style: chr2-73385923-G-T. GRCh37 (hg19) VCF-style: chr2-73613051-G-T.
Other names: c.58G>T, p.Glu20Ter (NM_015120.4); short protein forms E19*, E20*.
Identifiers: ClinVar variation 3345368 (VCV003345368.1).